The following is an entry in ClinVar:

ClinVar aggregate classification (germline): Uncertain significance. Review status: criteria provided, multiple submitters, no conflicts (2 of 4 stars). 5 submissions from 5 submitters: Uncertain significance (4). 1 of the submissions does not count toward it. Last evaluated 2025-04-03.

Conditions:
Retinal dystrophy. Also called: Inherited retinal dystrophy. Identifiers: Orphanet 71862, MedGen C0854723, MeSH D058499, MONDO:0019118, HP:0000556.
Retinitis pigmentosa 60 (RP60). Also called: PRPF 6-Related Retinitis Pigmentosa. Identifiers: Orphanet 791, MedGen C3151434, MONDO:0013516, OMIM 613983.

Allele frequency attached by ClinVar (database versions not stated): gnomAD exomes 0.00002; gnomAD 0.00003 and 0.00004; TOPMed 0.00005; ESP Exome Variant Server 0.00008.
gnomAD v4.1: 37 of 1,613,338 alleles (0.0023%); highest among the groups gnomAD compares: Middle Eastern, 0.066%; no homozygotes.

Submissions (5):

Ambry Genetics
Classification: Uncertain significance. Last evaluated: 2025-04-03. Review status: criteria provided, single submitter. Criteria: Ambry Variant Classification Scheme 2023. Collection method: clinical testing. Allele origin: germline.

Blueprint Genetics
Classification: Uncertain significance. Last evaluated: 2024-03-26. Review status: criteria provided, single submitter. Criteria: ACMG Guidelines, 2015. Collection method: clinical testing. Allele origin: germline.

Labcorp Genetics (formerly Invitae), Labcorp
Classification: Uncertain significance. Last evaluated: 2024-03-01. Review status: criteria provided, single submitter. Criteria: Invitae Variant Classification Sherloc (09022015). Collection method: clinical testing. Allele origin: germline.
Comment: This sequence change replaces isoleucine, which is neutral and non-polar, with valine, which is neutral and non-polar, at codon 919 of the PRPF6 protein (p.Ile919Val). This variant is present in population databases (rs149771221, gnomAD 0.006%). This variant has not been reported in the literature in individuals affected with PRPF6-related conditions. ClinVar contains an entry for this variant (Variation ID: 930421). Advanced modeling of protein sequence and biophysical properties (such as structural, functional, and spatial information, amino acid conservation, physicochemical variation, residue mobility, and thermodynamic stability) performed at Invitae indicates that this missense variant is not expected to disrupt PRPF6 protein function with a negative predictive value of 80%. In summary, the available evidence is currently insufficient to determine the role of this variant in disease. Therefore, it has been classified as a Variant of Uncertain Significance.

Centre for Mendelian Genomics, University Medical Centre Ljubljana
Classification: Uncertain significance for Retinitis pigmentosa 60. Last evaluated: 2019-02-22. Review status: criteria provided, single submitter. Criteria: ACMG Guidelines, 2015. Collection method: clinical testing. Allele origin: unknown. Affected: yes.
Comment: This variant was classified as: Uncertain significance. The available evidence on this variant's pathogenicity is insufficient or conflicting. The following ACMG criteria were applied in classifying this variant: BP4.

Institute of Human Genetics, Univ. Regensburg, Univ. Regensburg
Classification: Uncertain significance for Retinal dystrophy. Last evaluated: 2021-01-01. Review status: no assertion criteria provided. Criteria: ACMG Guidelines, 2015. Collection method: clinical testing. Allele origin: germline. Affected: yes. Not counted in ClinVar's aggregate classification.

NM_012469.4(PRPF6):c.2755A>G (p.Ile919Val)

Gene: PRPF6 (pre-mRNA processing factor 6; plus strand). Cytogenetic location: 20q13.33.
Variant type: single nucleotide variant.
Coding change: c.2755A>G on transcript NM_012469.4 (MANE Select); coding-DNA position 2755, A replaced by G.
Protein change: p.Ile919Val; replaces isoleucine 919 with valine.
Molecular consequence: missense variant.
Genome position (GRCh38, 1-based): chr20:64,032,922, A>G. VCF-style: chr20-64032922-A-G. GRCh37 (hg19) VCF-style: chr20-62664275-A-G.
Other names: short protein forms I919V.
Identifiers: ClinVar variation 930421 (VCV000930421.12), dbSNP rs149771221, ClinGen allele CA317551255.